The following is an entry in ClinVar:

ClinVar aggregate classification (germline): Likely pathogenic (1 of 4 stars; one submission).

Submission:

Labcorp Genetics (formerly Invitae), Labcorp
Classification: Likely pathogenic. Last evaluated: 2022-06-04. Review status: criteria provided, single submitter. Criteria: Invitae Variant Classification Sherloc (09022015). Collection method: clinical testing. Allele origin: germline.
Comment: This missense change has been observed in individual(s) with hereditary diffuse leukoencephalopathy with spheroids (Invitae). In summary, the currently available evidence indicates that the variant is pathogenic, but additional data are needed to prove that conclusively. Therefore, this variant has been classified as Likely Pathogenic. This variant disrupts the p.Glu847 amino acid residue in CSF1R. Other variant(s) that disrupt this residue have been determined to be pathogenic (PMID: 23649896, 26401554, 27092868, 28122429, 31520500). This suggests that this residue is clinically significant, and that variants that disrupt this residue are likely to be disease-causing. Advanced modeling of protein sequence and biophysical properties (such as structural, functional, and spatial information, amino acid conservation, physicochemical variation, residue mobility, and thermodynamic stability) performed at Invitae indicates that this missense variant is expected to disrupt CSF1R protein function. ClinVar contains an entry for this variant (Variation ID: 1504080). This variant is not present in population databases (gnomAD no frequency). This sequence change replaces glutamic acid, which is acidic and polar, with glutamine, which is neutral and polar, at codon 847 of the CSF1R protein (p.Glu847Gln).

Literature cited by the submitters: PubMed 23649896; PubMed 26401554; PubMed 27092868; PubMed 28122429; PubMed 31520500.

NM_001288705.3(CSF1R):c.2539G>C (p.Glu847Gln)

Gene: CSF1R (colony stimulating factor 1 receptor; minus strand). Cytogenetic location: 5q32.
Variant type: single nucleotide variant.
Coding change: c.2539G>C on transcript NM_001288705.3 (MANE Select); coding-DNA position 2539, G replaced by C.
Protein change: p.Glu847Gln; replaces glutamic acid 847 with glutamine.
Molecular consequence: missense variant. On other transcripts: non-coding transcript variant (2).
Genome position (GRCh38, 1-based): chr5:150,056,041, C>G on the plus strand (G>C on the coding strand, the complement: CSF1R is on the minus strand). VCF-style: chr5-150056041-C-G. GRCh37 (hg19) VCF-style: chr5-149435604-C-G.
Other names: c.2539G>C, p.Glu847Gln (NM_001349736.2, NM_001375320.1, NM_005211.4); c.2095G>C, p.Glu699Gln (NM_001375321.1); short protein forms E699Q, E847Q.
Identifiers: ClinVar variation 1504080 (VCV001504080.8), dbSNP rs2113778102, ClinGen allele CA361758304.
Genomic context (GRCh38, chr5:150,056,041, plus strand): 5'-AGGAGCCAGCCCCAGGCTCTGCCTGGAGTGGGCCCAGTGGCTCACCAAGTGAGAAGATCT[C>G]CCAGAGGAGGATGCCATAGGACCAGACGTCGCTCTGAACCGTGTAGACACAGTCAAAGAT-3'
Protein context (NP_001275634.1, residues 837-857): DVWSYGILLW[Glu847Gln]IFSLGLNPYP